The following is an entry in ClinVar:

NM_004820.5(CYP7B1):c.531G>A (p.Thr177=)

Gene: CYP7B1 (cytochrome P450 family 7 subfamily B member 1; minus strand). Cytogenetic location: 8q12.3.
Variant type: single nucleotide variant.
Coding change: c.531G>A on transcript NM_004820.5 (MANE Select); coding-DNA position 531, G replaced by A.
Protein change: p.Thr177=; no amino-acid change (threonine 177 retained).
Molecular consequence: synonymous variant.
Genome position (GRCh38, 1-based): chr8:64,616,010, C>T on the plus strand (G>A on the coding strand, the complement: CYP7B1 is on the minus strand). VCF-style: chr8-64616010-C-T. GRCh37 (hg19) VCF-style: chr8-65528567-C-T.
Other names: c.531G>A (NM_004820.4); c.531G>A, p.Thr177= (NM_001324112.2).
Identifiers: ClinVar variation 2064929 (VCV002064929.5), dbSNP rs766248249, ClinGen allele CA4764190.

ClinVar aggregate classification (germline): Likely benign. Review status: criteria provided, single submitter (1 of 4 stars). 2 submissions from 2 submitters: Likely benign (1). 1 of the submissions does not count toward it. Last evaluated 2026-02-01.

Conditions:
CYP7B1-related disorder. Also called: CYP7B1-related condition.
Spastic paraplegia. Identifiers: MedGen C0037772, HP:0001258.

Allele frequency attached by ClinVar (database versions not stated): ExAC 0.00002; gnomAD 0.00003; gnomAD exomes 0.00003.
gnomAD v4.1: 45 of 1,613,426 alleles (0.0028%); highest among the groups gnomAD compares: East Asian, 0.0089%; no homozygotes.

Submissions (2):

Labcorp Genetics (formerly Invitae), Labcorp
Classification: Likely benign for Spastic paraplegia. Last evaluated: 2026-02-01. Review status: criteria provided, single submitter. Criteria: Invitae Variant Classification Sherloc (09022015). Collection method: clinical testing. Allele origin: germline.

PreventionGenetics, part of Exact Sciences
Classification: Likely benign for CYP7B1-related condition. Last evaluated: 2024-05-16. Review status: no assertion criteria provided. Collection method: clinical testing. Allele origin: germline. Not counted in ClinVar's aggregate classification.
Comment: This variant is classified as likely benign based on ACMG/AMP sequence variant interpretation guidelines (Richards et al. 2015 PMID: 25741868, with internal and published modifications).